The following is an entry in ClinVar:

ClinVar aggregate classification (germline): Likely pathogenic (1 of 4 stars; one submission).

Conditions:
Hereditary xanthinuria type 1 (XAN1). Identifiers: Orphanet 3467, Orphanet 93601, MedGen C0268118, MONDO:0010209, OMIM 278300.

Submission:

MVZ Medizinische Genetik Mainz
Classification: Likely pathogenic for Hereditary xanthinuria type 1. Last evaluated: 2022-07-19. Review status: criteria provided, single submitter. Criteria: UK Practice Guidelines For Variant Classification V4 01 2020. Collection method: clinical testing. Allele origin: germline. Inheritance: Autosomal recessive inheritance. Affected: yes. Observed: 1 variant allele.
Comment: ACMG Criteria: PVS1, PM2_SUP

NM_000379.4(XDH):c.849G>A (p.Trp283Ter)

Gene: XDH (xanthine dehydrogenase; minus strand). Cytogenetic location: 2p23.1.
Variant type: single nucleotide variant.
Coding change: c.849G>A on transcript NM_000379.4 (MANE Select); coding-DNA position 849, G replaced by A.
Protein change: p.Trp283Ter; replaces tryptophan 283 with a stop codon.
Molecular consequence: nonsense.
Genome position (GRCh38, 1-based): chr2:31,383,792, C>T on the plus strand (G>A on the coding strand, the complement: XDH is on the minus strand). VCF-style: chr2-31383792-C-T. GRCh37 (hg19) VCF-style: chr2-31606658-C-T.
Other names: short protein forms W283*.
Identifiers: ClinVar variation 3236186 (VCV003236186.1), dbSNP rs2465394635, ClinGen allele CA346509760.
Genomic context (GRCh38, chr2:31,383,792, plus strand): 5'-GCTTGGAGTGAACCTCCTCTTACCGTCGGGTCCATGTTCTACCGAATTCAGCTCAGGGAT[C>T]CAGGCTGGGCAGACAATCATAGGAAACAGCATATTCTTGAACTTCATCTCAATGCCTAGA-3'